The following is an entry in ClinVar:

NM_000482.4(APOA4):c.1178C>T (p.Pro393Leu)

Gene: APOA4 (apolipoprotein A4; minus strand). Cytogenetic location: 11q23.3.
Variant type: single nucleotide variant.
Coding change: c.1178C>T on transcript NM_000482.4 (MANE Select); coding-DNA position 1178, C replaced by T.
Protein change: p.Pro393Leu; replaces proline 393 with leucine.
Molecular consequence: missense variant.
Genome position (GRCh38, 1-based): chr11:116,820,880, G>A on the plus strand (C>T on the coding strand, the complement: APOA4 is on the minus strand). VCF-style: chr11-116820880-G-A. GRCh37 (hg19) VCF-style: chr11-116691596-G-A.
Other names: short protein forms P393L.
Identifiers: ClinVar variation 2956449 (VCV002956449.3), dbSNP rs1352011550, ClinGen allele CA382698342.

ClinVar aggregate classification (germline): Uncertain significance (1 of 4 stars; one submission).

Allele frequency attached by ClinVar (database versions not stated): TOPMed 0.00001; gnomAD 0.00002.
gnomAD v4.1: 90 of 1,613,870 alleles (0.0056%); highest among the groups gnomAD compares: Non-Finnish European, 0.0073%; no homozygotes.

Submission:

Labcorp Genetics (formerly Invitae), Labcorp
Classification: Uncertain significance. Last evaluated: 2023-05-14. Review status: criteria provided, single submitter. Criteria: Invitae Variant Classification Sherloc (09022015). Collection method: clinical testing. Allele origin: germline.
Comment: In summary, the available evidence is currently insufficient to determine the role of this variant in disease. Therefore, it has been classified as a Variant of Uncertain Significance. Experimental studies and prediction algorithms are not available or were not evaluated, and the functional significance of this variant is currently unknown. This variant has not been reported in the literature in individuals affected with APOA4-related conditions. This variant is present in population databases (no rsID available, gnomAD 0.01%). This sequence change replaces proline, which is neutral and non-polar, with leucine, which is neutral and non-polar, at codon 393 of the APOA4 protein (p.Pro393Leu).